The following is an entry in ClinVar:

ClinVar aggregate classification (germline): Likely pathogenic (1 of 4 stars; one submission).

Conditions:
Brittle cornea syndrome 1 (BCS1). Also called: CORNEAL FRAGILITY, KERATOGLOBUS, BLUE SCLERAE, JOINT HYPEREXTENSIBILITY; EDS6B; FRAGILITAS OCULI WITH JOINT HYPEREXTENSIBILITY; DYSGENESIS MESODERMALIS CORNEAE ET SCLERAE; Corneal fragility keratoglobus, blue sclerae AND joint hypermobility. Identifiers: Orphanet 90354, MedGen C0268344, MONDO:0024543, OMIM 229200.

Submission:

Women's Health and Genetics/Laboratory Corporation of America, LabCorp
Classification: Likely pathogenic for Brittle cornea syndrome 1. Last evaluated: 2026-02-18. Review status: criteria provided, single submitter. Criteria: LabCorp Variant Classification Summary - May 2015. Collection method: clinical testing. Allele origin: germline.
Comment: Variant summary: ZNF469 c.2251C>T (p.Gln751X) results in a premature termination codon, predicted to cause a truncation of the encoded protein or absence of the protein due to nonsense mediated decay, which are commonly known mechanisms for disease. The variant was absent in 143638 control chromosomes. To our knowledge, no occurrence of c.2251C>T in individuals affected with ZNF469-related conditions and no experimental evidence demonstrating its impact on protein function have been reported. No submitters have cited clinical-significance assessments for this variant to ClinVar. Based on the evidence outlined above, the variant was classified as likely pathogenic.

NM_001367624.2(ZNF469):c.2251C>T (p.Gln751Ter)

Gene: ZNF469 (zinc finger protein 469; plus strand). Cytogenetic location: 16q24.2.
Variant type: single nucleotide variant.
Coding change: c.2251C>T on transcript NM_001367624.2 (MANE Select); coding-DNA position 2251, C replaced by T.
Protein change: p.Gln751Ter; replaces glutamine 751 with a stop codon.
Molecular consequence: nonsense.
Genome position (GRCh38, 1-based): chr16:88,429,721, C>T. VCF-style: chr16-88429721-C-T. GRCh37 (hg19) VCF-style: chr16-88496129-C-T.
Other names: short protein forms Q751*.
Identifiers: ClinVar variation 4848226 (VCV004848226.1).